The following is an entry in ClinVar:

ClinVar aggregate classification (germline): Pathogenic. Review status: criteria provided, single submitter (1 of 4 stars). 2 submissions from 2 submitters: Pathogenic (1). 1 of the submissions does not count toward it. Last evaluated 2025-10-13.

Conditions:
PKD1-related disorder. Also called: PKD1-related condition.

Submissions (2):

PreventionGenetics, part of Exact Sciences
Classification: Pathogenic for PKD1-related condition. Last evaluated: 2025-10-13. Review status: criteria provided, single submitter. Criteria: ACMG Guidelines, 2015. Collection method: clinical testing. Allele origin: germline.
Comment: The PKD1 c.7493G>A variant is predicted to result in premature protein termination (p.Trp2498*). This variant has been reported in an individual with polycystic kidney disease (Table S7 in Groopman et al. 2019. PubMed ID: 30586318). This variant has not been reported in a large population database (gnomAD), indicating this variant is rare. Nonsense variants in PKD1 are expected to be pathogenic. This variant is interpreted as pathogenic.

Gharavi Laboratory, Columbia University
Classification: Pathogenic. Last evaluated: 2018-09-16. Review status: no assertion criteria provided. Criteria: ACMG Guidelines, 2015. Collection method: research. Allele origin: germline. Affected: yes. Not counted in ClinVar's aggregate classification.

NM_001009944.3(PKD1):c.7493G>A (p.Trp2498Ter)

Gene: PKD1 (polycystin 1, transient receptor potential channel interacting; minus strand). Cytogenetic location: 16p13.3.
Variant type: single nucleotide variant.
Coding change: c.7493G>A on transcript NM_001009944.3 (MANE Select); coding-DNA position 7493, G replaced by A.
Protein change: p.Trp2498Ter; replaces tryptophan 2498 with a stop codon.
Molecular consequence: nonsense.
Genome position (GRCh38, 1-based): chr16:2,106,301, C>T on the plus strand (G>A on the coding strand, the complement: PKD1 is on the minus strand). VCF-style: chr16-2106301-C-T. GRCh37 (hg19) VCF-style: chr16-2156302-C-T.
Other names: c.7493G>A, p.Trp2498Ter (NM_000296.4); c.7493G>A (NM_001009944.2); short protein forms W2498*.
Identifiers: ClinVar variation 562300 (VCV000562300.2), dbSNP rs1567185138, ClinGen allele CA394369214.